The following is an entry in ClinVar:

ClinVar aggregate classification (germline): Uncertain significance (1 of 4 stars; one submission).

Submission:

Women's Health and Genetics/Laboratory Corporation of America, LabCorp
Classification: Uncertain significance. Last evaluated: 2025-04-09. Review status: criteria provided, single submitter. Criteria: LabCorp Variant Classification Summary - May 2015. Collection method: clinical testing. Allele origin: germline.
Comment: Variant summary: NEFH c.149G>T (p.Trp50Leu) results in a non-conservative amino acid change in the encoded protein sequence. Three of five in-silico tools predict a benign effect of the variant on protein function. The variant was absent in 130546 control chromosomes. The available data on variant occurrences in the general population are insufficient to allow any conclusion about variant significance. To our knowledge, no occurrence of c.149G>T in individuals affected with Charcot-Marie-Tooth disease axonal type 2CC and no experimental evidence demonstrating its impact on protein function have been reported. No submitters have cited clinical-significance assessments for this variant to ClinVar. Based on the evidence outlined above, the variant was classified as uncertain significance.

NM_021076.4(NEFH):c.149G>T (p.Trp50Leu)

Gene: NEFH (neurofilament heavy chain; plus strand). Cytogenetic location: 22q12.2.
Variant type: single nucleotide variant.
Coding change: c.149G>T on transcript NM_021076.4 (MANE Select); coding-DNA position 149, G replaced by T.
Protein change: p.Trp50Leu; replaces tryptophan 50 with leucine.
Molecular consequence: missense variant.
Genome position (GRCh38, 1-based): chr22:29,480,411, G>T. VCF-style: chr22-29480411-G-T. GRCh37 (hg19) VCF-style: chr22-29876400-G-T.
Other names: short protein forms W50L.
Identifiers: ClinVar variation 3896391 (VCV003896391.2).
Genomic context (GRCh38, chr22:29,480,411, plus strand): 5'-GAAAGGGTGGCGCAGGCGGGACGCGCTCCGCCGCTGGCTCCTCCAGCGGCTTCCACTCGT[G>T]GACACGGACGTCCGTGAGCTCCGTGTCCGCCTCGCCCAGCCGCTTCCGTGGCGCAGGCGC-3'
Protein context (NP_066554.2, residues 40-60): AAGSSSGFHS[Trp50Leu]TRTSVSSVSA